The following is an entry in ClinVar:

NM_170784.3(MKKS):c.1226G>T (p.Gly409Val)

Gene: MKKS (MKKS centrosomal shuttling protein; minus strand). Cytogenetic location: 20p12.2.
Variant type: single nucleotide variant.
Coding change: c.1226G>T on transcript NM_170784.3 (MANE Select); coding-DNA position 1226, G replaced by T.
Protein change: p.Gly409Val; replaces glycine 409 with valine.
Molecular consequence: missense variant. On other transcripts: non-coding transcript variant (1).
Genome position (GRCh38, 1-based): chr20:10,407,662, C>A on the plus strand (G>T on the coding strand, the complement: MKKS is on the minus strand). VCF-style: chr20-10407662-C-A. GRCh37 (hg19) VCF-style: chr20-10388310-C-A.
Other names: c.1226G>T, p.Gly409Val (NM_018848.3); short protein forms G409V.
Identifiers: ClinVar variation 1439822 (VCV001439822.5), dbSNP rs2064852512, ClinGen allele CA408231371.

ClinVar aggregate classification (germline): Uncertain significance (1 of 4 stars; one submission).

Conditions:
McKusick-Kaufman syndrome (MKKS). Also called: HYDROMETROCOLPOS SYNDROME; HYDROMETROCOLPOS, POSTAXIAL POLYDACTYLY, AND CONGENITAL HEART MALFORMATION. Identifiers: Orphanet 2473, MedGen C0948368, MONDO:0009367, OMIM 236700.
Bardet-Biedl syndrome (BBS). Identifiers: Orphanet 110, MedGen C0752166, MONDO:0015229.

Allele frequency attached by ClinVar (database versions not stated): gnomAD 0.00001; TOPMed 0.00003.
gnomAD v4.1: 1 of 1,613,874 alleles (0.000062%); highest among the groups gnomAD compares: Admixed American, 0.0017%; no homozygotes.

Submission:

Labcorp Genetics (formerly Invitae), Labcorp
Classification: Uncertain significance for McKusick-Kaufman syndrome; Bardet-Biedl syndrome. Last evaluated: 2021-09-01. Review status: criteria provided, single submitter. Criteria: Invitae Variant Classification Sherloc (09022015). Collection method: clinical testing. Allele origin: germline.
Comment: This sequence change replaces glycine with valine at codon 409 of the MKKS protein (p.Gly409Val). The glycine residue is highly conserved and there is a moderate physicochemical difference between glycine and valine. This variant is not present in population databases (ExAC no frequency). This variant has not been reported in the literature in individuals affected with MKKS-related conditions. Algorithms developed to predict the effect of missense changes on protein structure and function (SIFT, PolyPhen-2, Align-GVGD) all suggest that this variant is likely to be disruptive. Algorithms developed to predict the effect of sequence changes on RNA splicing suggest that this variant may create or strengthen a splice site. In summary, the available evidence is currently insufficient to determine the role of this variant in disease. Therefore, it has been classified as a Variant of Uncertain Significance.